The following is an entry in ClinVar:

NM_000535.7(PMS2):c.163+8T>G

Gene: PMS2 (PMS1 homolog 2, mismatch repair system component; minus strand). Cytogenetic location: 7p22.1.
Variant type: single nucleotide variant.
Coding change: c.163+8T>G on transcript NM_000535.7 (MANE Select); 8 bases into the intron after coding-DNA position 163, T replaced by G.
Molecular consequence: intron variant.
Genome position (GRCh38, 1-based): chr7:6,005,884, A>C on the plus strand (T>G on the coding strand, the complement: PMS2 is on the minus strand). VCF-style: chr7-6005884-A-C. GRCh37 (hg19) VCF-style: chr7-6045515-A-C.
Other names: c.-52-1826T>G (NM_001322008.2); c.-242-1826T>G (NM_001322010.2, NM_001322004.2); c.-243+8T>G (NM_001322013.2, NM_001322003.2, NM_001322009.2 and 1 more transcripts); c.-722+8T>G (NM_001322012.2, NM_001322011.2); c.-322+8T>G (NM_001322015.2); c.-53+8T>G (NM_001322007.2); c.163+8T>G (NM_001322006.2, NM_001322014.2).
Identifiers: ClinVar variation 1148109 (VCV001148109.10), dbSNP rs565853848, ClinGen allele CA044829.

ClinVar aggregate classification (germline): Likely benign. Review status: criteria provided, multiple submitters, no conflicts (2 of 4 stars). 2 submissions from 2 submitters: Likely benign (2). Last evaluated 2025-07-31.

Conditions:
Lynch syndrome 4 (LYNCH4). Also called: Colorectal cancer, hereditary nonpolyposis, type 4; Hereditary non-polyposis colorectal cancer, type 4. Identifiers: Orphanet 144, MedGen C1838333, MONDO:0013699, OMIM 614337. Disease mechanism: loss of function.
Hereditary nonpolyposis colorectal neoplasms. Identifiers: MedGen C0009405, MeSH D003123.

Allele frequency attached by ClinVar (database versions not stated): gnomAD exomes below 0.00001; ExAC 0.00001; gnomAD 0.00001; 1000 Genomes Project 0.00020; 1000 Genomes Project 30x 0.00031.
gnomAD v4.1: 1 of 1,610,794 alleles (0.000062%); highest among the groups gnomAD compares: South Asian, 0.0011%; no homozygotes.

Submissions (2):

Labcorp Genetics (formerly Invitae), Labcorp
Classification: Likely benign for Hereditary nonpolyposis colorectal neoplasms. Last evaluated: 2025-07-31. Review status: criteria provided, single submitter. Criteria: Invitae Variant Classification Sherloc (09022015). Collection method: clinical testing. Allele origin: germline.

Myriad Genetics, Inc.
Classification: Likely benign for Lynch syndrome 4. Last evaluated: 2025-01-23. Review status: criteria provided, single submitter. Criteria: Myriad Autosomal Dominant, Autosomal Recessive and X-Linked Classification Criteria (2023). Collection method: clinical testing. Allele origin: unknown.
Comment: This variant is considered likely benign. This variant is intronic and is not expected to impact mRNA splicing.